The following is an entry in ClinVar:

ClinVar aggregate classification (germline): Conflicting classifications of pathogenicity. Review status: criteria provided, conflicting classifications (1 of 4 stars). 2 submissions from 2 submitters: Uncertain significance (1); Likely benign (1). Last evaluated 2024-03-13.

Allele frequency attached by ClinVar (database versions not stated): ExAC 0.00001; TOPMed 0.00003; gnomAD 0.00004; ESP Exome Variant Server 0.00008.
gnomAD v4.1: 104 of 1,610,816 alleles (0.0065%); highest among the groups gnomAD compares: Non-Finnish European, 0.0088%; no homozygotes.

Submissions (2):

Labcorp Genetics (formerly Invitae), Labcorp
Classification: Likely benign. Last evaluated: 2024-03-13. Review status: criteria provided, single submitter. Criteria: Invitae Variant Classification Sherloc (09022015). Collection method: clinical testing. Allele origin: germline.

GeneDx
Classification: Uncertain significance. Last evaluated: 2023-06-16. Review status: criteria provided, single submitter. Criteria: GeneDx Variant Classification Process June 2021. Collection method: clinical testing. Allele origin: germline. Affected: yes.
Comment: In silico analysis supports that this variant does not alter splicing; Has not been previously published as pathogenic or benign to our knowledge

NM_004086.3(COCH):c.918T>G (p.Pro306=)

Genes: COCH (cochlin; plus strand), COCH-AS1 (COCH antisense RNA 1; minus strand). Cytogenetic location: 14q12.
Variant type: single nucleotide variant.
Coding change: c.918T>G on transcript NM_004086.3 (MANE Select); coding-DNA position 918, T replaced by G.
Protein change: p.Pro306=; no amino-acid change (proline 306 retained).
Molecular consequence: synonymous variant. On other transcripts: non-coding transcript variant (1).
Genome position (GRCh38, 1-based): chr14:30,885,578, T>G. VCF-style: chr14-30885578-T-G. GRCh37 (hg19) VCF-style: chr14-31354784-T-G.
Other names: c.918T>G, p.Pro306= (NM_001135058.2); c.1113T>G, p.Pro371= (NM_001347720.2); c.918T>G (NM_004086.2).
Identifiers: ClinVar variation 2899536 (VCV002899536.4), dbSNP rs138805494, ClinGen allele CA7143214.